The following is an entry in ClinVar:

NM_000117.3(EMD):c.70G>C (p.Gly24Arg)

Gene: EMD (emerin; plus strand). Cytogenetic location: Xq28.
Variant type: single nucleotide variant.
Coding change: c.70G>C on transcript NM_000117.3 (MANE Select); coding-DNA position 70, G replaced by C.
Protein change: p.Gly24Arg; replaces glycine 24 with arginine.
Molecular consequence: missense variant.
Genome position (GRCh38, 1-based): chrX:154,379,554, G>C. VCF-style: chrX-154379554-G-C. GRCh37 (hg19) VCF-style: chrX-153607914-G-C.
Other names: short protein forms G24R.
Identifiers: ClinVar variation 2971779 (VCV002971779.3), dbSNP rs727504628, ClinGen allele CA415257130.
Genomic context (GRCh38, chrX:154,379,554, plus strand): 5'-TACGCAGATCTTTCGGATACCGAGCTGACCACCTTGCTGCGCCGGTACAACATCCCGCAC[G>C]GGCCTGTAGTAGGTACGCGGCGGCGGGCGGGACCCCTTCCGGGCCCCCTCCTCGTGCTCC-3'
Protein context (NP_000108.1, residues 14-34): TLLRRYNIPH[Gly24Arg]PVVGSTRRLY

ClinVar aggregate classification (germline): Uncertain significance (1 of 4 stars; one submission).

Conditions:
X-linked Emery-Dreifuss muscular dystrophy. Also called: Muscular dystrophy, tardive Emery-Dreifuss type, with contractures. Identifiers: Orphanet 261, Orphanet 98863, MedGen C0751337, MONDO:0010680.

Allele frequency attached by ClinVar (database versions not stated): gnomAD exomes below 0.00001.
gnomAD v4.1: 1 of 1,170,100 alleles (0.000085%); highest among the groups gnomAD compares: Non-Finnish European, 0.00011%; no homozygotes.

Submission:

Labcorp Genetics (formerly Invitae), Labcorp
Classification: Uncertain significance for X-linked Emery-Dreifuss muscular dystrophy. Last evaluated: 2022-11-04. Review status: criteria provided, single submitter. Criteria: Invitae Variant Classification Sherloc (09022015). Collection method: clinical testing. Allele origin: germline.
Comment: In summary, the available evidence is currently insufficient to determine the role of this variant in disease. Therefore, it has been classified as a Variant of Uncertain Significance. Advanced modeling of protein sequence and biophysical properties (such as structural, functional, and spatial information, amino acid conservation, physicochemical variation, residue mobility, and thermodynamic stability) performed at Invitae indicates that this missense variant is expected to disrupt EMD protein function. This variant has not been reported in the literature in individuals affected with EMD-related conditions. This variant is not present in population databases (gnomAD no frequency). This sequence change replaces glycine, which is neutral and non-polar, with arginine, which is basic and polar, at codon 24 of the EMD protein (p.Gly24Arg).